The following is an entry in ClinVar:

NM_012414.4(RAB3GAP2):c.*2399A>G

Gene: RAB3GAP2 (RAB3 GTPase activating non-catalytic protein subunit 2; minus strand). Cytogenetic location: 1q41.
Variant type: single nucleotide variant.
Coding change: c.*2399A>G on transcript NM_012414.4 (MANE Select); 2399 bases downstream of the stop codon, A replaced by G.
Molecular consequence: 3 prime UTR variant.
Genome position (GRCh38, 1-based): chr1:220,148,852, T>C on the plus strand (A>G on the coding strand, the complement: RAB3GAP2 is on the minus strand). VCF-style: chr1-220148852-T-C. GRCh37 (hg19) VCF-style: chr1-220322194-T-C.
Identifiers: ClinVar variation 876861 (VCV000876861.4), dbSNP rs115637988, ClinGen allele CA37535797.

ClinVar aggregate classification (germline): Likely benign. Review status: criteria provided, single submitter (1 of 4 stars). 2 submissions from 1 submitter: Likely benign (2). Last evaluated 2018-01-13.

Conditions:
Warburg micro syndrome 2 (WARBM2). Also called: MICRO SYNDROME 2. Identifiers: Orphanet 2510, MedGen C3280214, MONDO:0013641, OMIM 614225.
Martsolf syndrome (MARTS). Also called: Congenital cataract with intellectual disability and hypogonadotropic hypogonadism syndrome. Identifiers: Orphanet 1387, MedGen C0796037, MONDO:0023910.

Allele frequency attached by ClinVar (database versions not stated): 1000 Genomes Project 0.00319; gnomAD 0.00348 and 0.00369; TOPMed 0.00408; 1000 Genomes Project 30x 0.00437.

Submissions (2):

Illumina Laboratory Services, Illumina
Classification: Likely benign for Warburg micro syndrome 2. Last evaluated: 2018-01-13. Review status: criteria provided, single submitter. Criteria: ICSL Variant Classification Criteria 13 December 2019. Collection method: clinical testing. Allele origin: germline.
Comment: This variant was observed in the ICSL laboratory as part of a predisposition screen in an ostensibly healthy population. It had not been previously curated by ICSL or reported in the Human Gene Mutation Database (HGMD: prior to June 1st, 2018), and was therefore a candidate for classification through an automated scoring system. Utilizing variant allele frequency, disease prevalence and penetrance estimates, and inheritance mode, an automated score was calculated to assess if this variant is too frequent to cause the disease. Based on the score and internal cut-off values, a variant classified as likely benign is not then subjected to further curation. The score for this variant resulted in a classification of likely benign for this disease.

Illumina Laboratory Services, Illumina
Classification: Likely benign for Martsolf syndrome 1. Last evaluated: 2018-01-13. Review status: criteria provided, single submitter. Criteria: ICSL Variant Classification Criteria 13 December 2019. Collection method: clinical testing. Allele origin: germline.
Comment: the same text as in the submission from Illumina Laboratory Services, Illumina above.